The following is an entry in ClinVar:

ClinVar aggregate classification (germline): Uncertain significance (1 of 4 stars; one submission).

Conditions:
PLA2G6-associated neurodegeneration (PLAN). Also called: phospholipase A2-associated neurodegeneration. Identifiers: Orphanet 329303, MedGen CN204472, MONDO:0017998.

Submission:

Broad Center for Mendelian Genomics, Broad Institute of MIT and Harvard
Classification: Uncertain significance for PLA2G6-associated neurodegeneration. Last evaluated: 2023-01-24. Review status: criteria provided, single submitter. Criteria: ACMG Guidelines, 2015. Collection method: curation. Allele origin: germline. Inheritance: Autosomal recessive inheritance.
Comment: The p.Arg710Valfs variant in PLA2G6 has been reported in 1 individual, in the homozygous state, with PLA2G6-associated neurodegeneration (Martin et al. 2019) and has been identified in 0.007% (2/30616) of South Asian chromosomes by the Genome Aggregation Database (gnomAD; dbSNP ID: rs147455037). Although this variant has been seen in the general population in a heterozygous state, its frequency is low enough to be consistent with a recessive carrier frequency. This variant is predicted to cause a frameshift, which alters the protein‚Äôs amino acid sequence beginning at position 710 and leads to a premature termination codon 51 amino acids downstream. This termination codon occurs within the last exon and is more likely to escape nonsense mediated decay (NMD) and result in a truncated protein. Loss of function of the PLA2G6 gene is an established disease mechanism in autosomal recessive PLA2G6-associated neurodegeneration. In summary, while there is some suspicion for a pathogenic role, the clinical significance of this variant is uncertain. ACMG/AMP Criteria applied: PVS1_moderate, PM2_supporting, PM3_supporting (Richards 2015).

NM_003560.4(PLA2G6):c.2128del (p.Arg710fs)

Gene: PLA2G6 (phospholipase A2 group VI; minus strand). Cytogenetic location: 22q13.1.
Variant type: Deletion.
Coding change: c.2128del on transcript NM_003560.4 (MANE Select); coding-DNA position 2128, one base deleted (C; older notation c.2128delC).
Protein change: p.Arg710fs; shifts the reading frame from arginine 710.
Molecular consequence: frameshift variant.
Genome position (GRCh38, 1-based): chr22:38,113,561, G deleted on the plus strand (C on the coding strand, the reverse complement: PLA2G6 is on the minus strand); the first of 2 consecutive G bases (chr22:38,113,561-38,113,562); deleting either gives the same sequence. VCF-style (leftmost placement, unchanged base first): chr22-38113560-CG-C. GRCh37 (hg19) VCF-style: chr22-38509567-CG-C.
Other names: NM_001004426.3:c.1966del; c.1966del, p.Arg656fs (NM_001004426.3, NM_001199562.3, NM_001349865.2 and 1 more transcripts); c.2128del, p.Arg710fs (NM_001349864.2); c.1594del, p.Arg532fs (NM_001349867.2); c.1450del, p.Arg484fs (NM_001349868.2); c.1432del, p.Arg478fs (NM_001349869.2); short protein forms R532fs, R710fs, R656fs, R478fs, R484fs.
Identifiers: ClinVar variation 2412778 (VCV002412778.1), dbSNP rs775637512, ClinGen allele CA10230600.